The following is an entry in ClinVar:

ClinVar aggregate classification (germline): Uncertain significance (1 of 4 stars; one submission).

Submission:

Ambry Genetics
Classification: Uncertain significance. Last evaluated: 2026-04-06. Review status: criteria provided, single submitter. Criteria: Ambry Variant Classification Scheme 2023. Collection method: clinical testing. Allele origin: germline.
Comment: The p.Q857K variant (also known as c.2569C>A), located in coding exon 11 of the WNK2 gene, results from a C to A substitution at nucleotide position 2569. The glutamine at codon 857 is replaced by lysine, an amino acid with similar properties. This amino acid position is conserved. In addition, the in silico prediction for this alteration is inconclusive. Based on the available evidence, the clinical significance of this variant remains unclear.

NM_006648.4(WNK2):c.2569C>A (p.Gln857Lys)

Gene: WNK2 (WNK lysine deficient protein kinase 2; plus strand). Cytogenetic location: 9q22.31.
Variant type: single nucleotide variant.
Coding change: c.2569C>A on transcript NM_006648.4 (MANE Select); coding-DNA position 2569, C replaced by A.
Protein change: p.Gln857Lys; replaces glutamine 857 with lysine.
Molecular consequence: missense variant.
Genome position (GRCh38, 1-based): chr9:93,259,117, C>A. VCF-style: chr9-93259117-C-A. GRCh37 (hg19) VCF-style: chr9-96021399-C-A.
Other names: c.2569C>A, p.Gln857Lys (NM_001282394.3); short protein forms Q857K.
Identifiers: ClinVar variation 4866570 (VCV004866570.1).